The following is an entry in ClinVar:

ClinVar aggregate classification (germline): Uncertain significance (1 of 4 stars; one submission).

Conditions:
Autosomal recessive limb-girdle muscular dystrophy type 2A (LGMDR1). Also called: Calpainopathy; LEYDEN-MOEBIUS MUSCULAR DYSTROPHY; MUSCULAR DYSTROPHY, PELVOFEMORAL; Limb-girdle muscular dystrophy, type 2A; Muscular dystrophy, limb-girdle, type 2A, Amish. Identifiers: Orphanet 267, MedGen C1869123, MONDO:0009675, OMIM 253600. Disease mechanism: loss of function.

Allele frequency attached by ClinVar (database versions not stated): gnomAD 0.00001; TOPMed 0.00001.
gnomAD v4.1: 1 of 1,613,978 alleles (0.000062%); highest among the groups gnomAD compares: Non-Finnish European, 0.000085%; no homozygotes.

Submission:

Labcorp Genetics (formerly Invitae), Labcorp
Classification: Uncertain significance for Autosomal recessive limb-girdle muscular dystrophy type 2A. Last evaluated: 2024-08-31. Review status: criteria provided, single submitter. Criteria: Invitae Variant Classification Sherloc (09022015). Collection method: clinical testing. Allele origin: germline.
Comment: This sequence change replaces leucine, which is neutral and non-polar, with phenylalanine, which is neutral and non-polar, at codon 762 of the CAPN3 protein (p.Leu762Phe). This variant is not present in population databases (gnomAD no frequency). This variant has not been reported in the literature in individuals affected with CAPN3-related conditions. ClinVar contains an entry for this variant (Variation ID: 1372916). Invitae Evidence Modeling of protein sequence and biophysical properties (such as structural, functional, and spatial information, amino acid conservation, physicochemical variation, residue mobility, and thermodynamic stability) indicates that this missense variant is expected to disrupt CAPN3 protein function with a positive predictive value of 80%. In summary, the available evidence is currently insufficient to determine the role of this variant in disease. Therefore, it has been classified as a Variant of Uncertain Significance.

NM_000070.3(CAPN3):c.2284C>T (p.Leu762Phe)

Gene: CAPN3 (calpain 3; plus strand). Cytogenetic location: 15q15.1.
Variant type: single nucleotide variant.
Coding change: c.2284C>T on transcript NM_000070.3 (MANE Select); coding-DNA position 2284, C replaced by T.
Protein change: p.Leu762Phe; replaces leucine 762 with phenylalanine.
Molecular consequence: missense variant.
Genome position (GRCh38, 1-based): chr15:42,410,904, C>T. VCF-style: chr15-42410904-C-T. GRCh37 (hg19) VCF-style: chr15-42703102-C-T.
Other names: c.2266C>T, p.Leu756Phe (NM_024344.2); c.2008C>T, p.Leu670Phe (NM_173087.2); c.748C>T, p.Leu250Phe (NM_173088.2); c.289C>T, p.Leu97Phe (NM_173089.2, NM_173090.2); short protein forms L670F, L97F, L250F, L756F, L762F.
Identifiers: ClinVar variation 1372916 (VCV001372916.6), dbSNP rs1269949487, ClinGen allele CA392001994.